The following is an entry in ClinVar:

NM_002519.3(NPAT):c.608C>T (p.Ala203Val)

Gene: NPAT (nuclear protein, coactivator of histone transcription; minus strand). Cytogenetic location: 11q22.3.
Variant type: single nucleotide variant.
Coding change: c.608C>T on transcript NM_002519.3 (MANE Select); coding-DNA position 608, C replaced by T.
Protein change: p.Ala203Val; replaces alanine 203 with valine.
Molecular consequence: missense variant.
Genome position (GRCh38, 1-based): chr11:108,188,128, G>A on the plus strand (C>T on the coding strand, the complement: NPAT is on the minus strand). VCF-style: chr11-108188128-G-A. GRCh37 (hg19) VCF-style: chr11-108058855-G-A.
Other names: c.608C>T, p.Ala203Val (NM_001321307.1); short protein forms A203V.
Identifiers: ClinVar variation 1751497 (VCV001751497.2), dbSNP rs2078126642, ClinGen allele CA382523045.
Genomic context (GRCh38, chr11:108,188,128, plus strand): 5'-GGTAACTTGTCTCTTTTAAAAAGCATTTACCTTTTGCGTCTACCGGGAGACATTAAACTG[G>A]CATGTGCTTTCTTTTCCTGAGCACCAGGAATGACATTTAAAGCTTCTCCAGCTGTATTTC-3'
Protein context (NP_002510.2, residues 193-213): IPGAQEKKAH[Ala203Val]SLMSPGRRKS

ClinVar aggregate classification (germline): Uncertain significance (1 of 4 stars; one submission).

Allele frequency attached by ClinVar (database versions not stated): gnomAD exomes below 0.00001; TOPMed below 0.00001.
gnomAD v4.1: 3 of 1,613,138 alleles (0.00019%); highest among the groups gnomAD compares: Non-Finnish European, 0.00017%; no homozygotes.

Submission:

Ambry Genetics
Classification: Uncertain significance. Last evaluated: 2021-08-24. Review status: criteria provided, single submitter. Criteria: Ambry Variant Classification Scheme 2023. Collection method: clinical testing. Allele origin: germline.
Comment: The p.A203V variant (also known as c.608C>T), located in coding exon 7 of the NPAT gene, results from a C to T substitution at nucleotide position 608. The alanine at codon 203 is replaced by valine, an amino acid with similar properties. This amino acid position is conserved. In addition, this alteration is predicted to be tolerated by in silico analysis. Since supporting evidence is limited at this time, the clinical significance of this alteration remains unclear.